The following is an entry in ClinVar:

NM_033026.6(PCLO):c.12772T>C (p.Ser4258Pro)

Gene: PCLO (piccolo presynaptic cytomatrix protein; minus strand). Cytogenetic location: 7q21.11.
Variant type: single nucleotide variant.
Coding change: c.12772T>C on transcript NM_033026.6 (MANE Select); coding-DNA position 12772, T replaced by C.
Protein change: p.Ser4258Pro; replaces serine 4258 with proline.
Molecular consequence: missense variant.
Genome position (GRCh38, 1-based): chr7:82,915,214, A>G on the plus strand (T>C on the coding strand, the complement: PCLO is on the minus strand). VCF-style: chr7-82915214-A-G. GRCh37 (hg19) VCF-style: chr7-82544530-A-G.
Other names: c.12772T>C, p.Ser4258Pro (NM_014510.3); c.12772T>C (NM_033026.5); short protein forms S4258P.
Identifiers: ClinVar variation 1502730 (VCV001502730.8), dbSNP rs201906508, ClinGen allele CA4319313.

ClinVar aggregate classification (germline): Uncertain significance. Review status: criteria provided, multiple submitters, no conflicts (2 of 4 stars). 2 submissions from 2 submitters: Uncertain significance (2). Last evaluated 2024-10-30.

Allele frequency attached by ClinVar (database versions not stated): gnomAD exomes 0.00012 and 0.00004; 1000 Genomes Project 30x 0.00016; ExAC 0.00018; 1000 Genomes Project 0.00020; gnomAD 0.00038 and 0.00039; ESP Exome Variant Server 0.00033; TOPMed 0.00051.
gnomAD v4.1: 121 of 1,612,880 alleles (0.0075%); highest among the groups gnomAD compares: African/African-American, 0.15%; no homozygotes.

Submissions (2):

Labcorp Genetics (formerly Invitae), Labcorp
Classification: Uncertain significance. Last evaluated: 2024-10-30. Review status: criteria provided, single submitter. Criteria: Invitae Variant Classification Sherloc (09022015). Collection method: clinical testing. Allele origin: germline.
Comment: This sequence change replaces serine, which is neutral and polar, with proline, which is neutral and non-polar, at codon 4258 of the PCLO protein (p.Ser4258Pro). This variant is present in population databases (rs201906508, gnomAD 0.2%). This variant has not been reported in the literature in individuals affected with PCLO-related conditions. ClinVar contains an entry for this variant (Variation ID: 1502730). Experimental studies and prediction algorithms are not available or were not evaluated, and the functional significance of this variant is currently unknown. In summary, the available evidence is currently insufficient to determine the role of this variant in disease. Therefore, it has been classified as a Variant of Uncertain Significance.

GeneDx
Classification: Uncertain significance. Last evaluated: 2022-01-18. Review status: criteria provided, single submitter. Criteria: GeneDx Variant Classification Process June 2021. Collection method: clinical testing. Allele origin: germline. Affected: yes.
Comment: Has not been previously published as pathogenic or benign to our knowledge; In silico analysis supports that this missense variant has a deleterious effect on protein structure/function; Variants in candidate genes are classified as variants of uncertain significance in accordance with ACMG guidelines (Richards et al., 2015)